The following is an entry in ClinVar:

ClinVar aggregate classification (germline): Uncertain significance (1 of 4 stars; one submission).

Submission:

GeneDx
Classification: Uncertain significance. Last evaluated: 2024-08-08. Review status: criteria provided, single submitter. Criteria: GeneDx Variant Classification Process June 2021. Collection method: clinical testing. Allele origin: germline. Affected: yes.
Comment: Not observed at significant frequency in large population cohorts (gnomAD); In silico analysis indicates that this missense variant does not alter protein structure/function; Has not been previously published as pathogenic or benign to our knowledge

NM_000426.4(LAMA2):c.7856A>G (p.His2619Arg)

Gene: LAMA2 (laminin subunit alpha 2; plus strand). Cytogenetic location: 6q22.33.
Variant type: single nucleotide variant.
Coding change: c.7856A>G on transcript NM_000426.4 (MANE Select); coding-DNA position 7856, A replaced by G.
Protein change: p.His2619Arg; replaces histidine 2619 with arginine.
Molecular consequence: missense variant.
Genome position (GRCh38, 1-based): chr6:129,486,580, A>G. VCF-style: chr6-129486580-A-G. GRCh37 (hg19) VCF-style: chr6-129807725-A-G.
Other names: c.7844A>G, p.His2615Arg (NM_001079823.2); short protein forms H2615R, H2619R.
Identifiers: ClinVar variation 3603188 (VCV003603188.1).
Genomic context (GRCh38, chr6:129,486,580, plus strand): 5'-TCTCCACAGGGGCACGAACAATGAGGAAAATTGTGATCAGACCAGAGCCGAATCTGTTTC[A>G]TGATGGAAGAGAACATTCCGTTCATGTAGAGCGAACTAGAGGGTAACAATAGCACTAAAA-3'
Protein context (NP_000417.3, residues 2609-2629): IVIRPEPNLF[His2619Arg]DGREHSVHVE